The following is an entry in ClinVar:

NM_019885.4(CYP26B1):c.968G>A (p.Arg323Gln)

Gene: CYP26B1 (cytochrome P450 family 26 subfamily B member 1; minus strand). Cytogenetic location: 2p13.2.
Variant type: single nucleotide variant.
Coding change: c.968G>A on transcript NM_019885.4 (MANE Select); coding-DNA position 968, G replaced by A.
Protein change: p.Arg323Gln; replaces arginine 323 with glutamine.
Molecular consequence: missense variant.
Genome position (GRCh38, 1-based): chr2:72,133,201, C>T on the plus strand (G>A on the coding strand, the complement: CYP26B1 is on the minus strand). VCF-style: chr2-72133201-C-T. GRCh37 (hg19) VCF-style: chr2-72360330-C-T.
Other names: c.968G>A (NM_019885.2); c.743G>A, p.Arg248Gln (NM_001277742.2); short protein forms R248Q, R323Q.
Identifiers: ClinVar variation 2182315 (VCV002182315.6), dbSNP rs534997827, ClinGen allele CA1707899.
Genomic context (GRCh38, chr2:72,133,201, plus strand): 5'-AGTGTGCCCTCGCAGGGGCAGCCGCCACTGTGCAGGATGCCATGAGCCCGCAGCTCATCC[C>T]GCAGCTTCTCCAGCACAGTGGGGTGCTTCAGCAGCTGCATGATGAGTGAGGTGCTGGCGC-3'
Protein context (NP_063938.1, residues 313-333): LKHPTVLEKL[Arg323Gln]DELRAHGILH

ClinVar aggregate classification (germline): Uncertain significance. Review status: criteria provided, multiple submitters, no conflicts (2 of 4 stars). 2 submissions from 2 submitters: Uncertain significance (2). Last evaluated 2025-08-13.

Conditions:
Inborn genetic diseases. Identifiers: MedGen C0950123, MeSH D030342.

Allele frequency attached by ClinVar (database versions not stated): gnomAD 0.00001; gnomAD exomes 0.00003; TOPMed 0.00004; ExAC 0.00008.
gnomAD v4.1: 44 of 1,611,974 alleles (0.0027%); highest among the groups gnomAD compares: Admixed American, 0.013%; no homozygotes.

Submissions (2):

Ambry Genetics
Classification: Uncertain significance for Inborn genetic diseases. Last evaluated: 2025-08-13. Review status: criteria provided, single submitter. Criteria: Ambry Variant Classification Scheme 2023. Collection method: clinical testing. Allele origin: germline.

Labcorp Genetics (formerly Invitae), Labcorp
Classification: Uncertain significance. Last evaluated: 2022-01-26. Review status: criteria provided, single submitter. Criteria: Invitae Variant Classification Sherloc (09022015). Collection method: clinical testing. Allele origin: germline.
Comment: In summary, the available evidence is currently insufficient to determine the role of this variant in disease. Therefore, it has been classified as a Variant of Uncertain Significance. Advanced modeling of protein sequence and biophysical properties (such as structural, functional, and spatial information, amino acid conservation, physicochemical variation, residue mobility, and thermodynamic stability) performed at Invitae indicates that this missense variant is not expected to disrupt CYP26B1 protein function. This variant has not been reported in the literature in individuals affected with CYP26B1-related conditions. This variant is present in population databases (rs534997827, gnomAD 0.02%). This sequence change replaces arginine, which is basic and polar, with glutamine, which is neutral and polar, at codon 323 of the CYP26B1 protein (p.Arg323Gln).